The following is an entry in ClinVar:

ClinVar aggregate classification (germline): Likely benign. Review status: reviewed by expert panel (3 of 4 stars). 7 submissions from 7 submitters: Likely benign (1). 6 of the submissions do not count toward it. Last evaluated 2017-06-29.

Conditions:
Hereditary breast ovarian cancer syndrome. Also called: Breast and ovarian cancer; Hereditary breast and ovarian cancer; Hereditary breast and ovarian cancer syndrome; Hereditary breast and/or ovarian cancer syndrome; BRCA1- and BRCA2-Associated Hereditary Breast and Ovarian Cancer; Hereditary breast and ovarian cancer syndrome (HBOC). Identifiers: Orphanet 145, MedGen C0677776, MeSH D061325, MONDO:0003582. Disease mechanism: loss of function.
Breast-ovarian cancer, familial, susceptibility to, 1 (BROVCA1). Also called: BRCA1 Hereditary Breast and Ovarian Cancer; OVARIAN CANCER, SUSCEPTIBILITY TO. Identifiers: Orphanet 145, MedGen C2676676, MONDO:0011450, OMIM 604370. Disease mechanism: loss of function.
Hereditary cancer-predisposing syndrome. Also called: Tumor predisposition; Hereditary Cancer Syndrome; Neoplastic Syndromes, Hereditary; Hereditary neoplastic syndrome. Identifiers: Orphanet 140162, MedGen C0027672, MeSH D009386, MONDO:0015356.

Allele frequency attached by ClinVar (database versions not stated): gnomAD exomes below 0.00001; TOPMed 0.00002.
gnomAD v4.1: 1 of 1,613,944 alleles (0.000062%); highest among the groups gnomAD compares: Non-Finnish European, 0.000085%; no homozygotes.

Submissions (7):

Evidence-based Network for the Interpretation of Germline Mutant Alleles (ENIGMA)
Classification: Likely benign for Breast-ovarian cancer, familial, susceptibility to, 1. Last evaluated: 2017-06-29. Review status: reviewed by expert panel. Criteria: ENIGMA BRCA1/2 Classification Criteria (2017-06-29). Collection method: curation. Allele origin: germline.
Comment: Synonymous substitution variant, with low bioinformatic likelihood to result in a splicing aberration (Splicing prior probability 0.02).

Labcorp Genetics (formerly Invitae), Labcorp
Classification: Likely benign for Hereditary breast ovarian cancer syndrome. Last evaluated: 2025-08-28. Review status: criteria provided, single submitter. Criteria: Invitae Variant Classification Sherloc (09022015). Collection method: clinical testing. Allele origin: germline. Not counted in ClinVar's aggregate classification.

All of Us Research Program, National Institutes of Health
Classification: Likely benign for Breast-ovarian cancer, familial, susceptibility to, 1. Last evaluated: 2023-05-15. Review status: criteria provided, single submitter. Criteria: ACMG Guidelines, 2015. Collection method: clinical testing. Allele origin: germline. Inheritance: Autosomal dominant inheritance. Observed: 4 variant alleles, 4 heterozygotes. Not counted in ClinVar's aggregate classification.
Comment: This study involves interpretation of variants in research participants for the purpose of population health screening. Participant phenotype was not available at the time of variant classification. Additional details can be found in publication PMID: 35346344, PMCID: PMC8962531

Women's Health and Genetics/Laboratory Corporation of America, LabCorp
Classification: Likely benign. Last evaluated: 2019-08-21. Review status: criteria provided, single submitter. Criteria: LabCorp Variant Classification Summary - May 2015. Collection method: clinical testing. Allele origin: germline. Not counted in ClinVar's aggregate classification.

GeneDx
Classification: Likely benign. Last evaluated: 2016-11-08. Review status: criteria provided, single submitter. Criteria: GeneDx Variant Classification (06012015). Collection method: clinical testing. Allele origin: germline. Affected: yes. Not counted in ClinVar's aggregate classification.
Comment: This variant is considered likely benign or benign based on one or more of the following criteria: it is a conservative change, it occurs at a poorly conserved position in the protein, it is predicted to be benign by multiple in silico algorithms, and/or has population frequency not consistent with disease.

Color Diagnostics, LLC DBA Color Health
Classification: Likely benign for Hereditary cancer-predisposing syndrome. Last evaluated: 2015-07-17. Review status: criteria provided, single submitter. Criteria: ACMG Guidelines, 2015. Collection method: clinical testing. Allele origin: germline. Not counted in ClinVar's aggregate classification.

Ambry Genetics
Classification: Likely benign for Hereditary cancer-predisposing syndrome. Last evaluated: 2015-06-01. Review status: criteria provided, single submitter. Criteria: Ambry Variant Classification Scheme 2023. Collection method: clinical testing. Allele origin: germline. Not counted in ClinVar's aggregate classification.

NM_007294.4(BRCA1):c.4197C>G (p.Thr1399=)

Gene: BRCA1 (BRCA1 DNA repair associated; minus strand). Cytogenetic location: 17q21.31.
Variant type: single nucleotide variant.
Coding change: c.4197C>G on transcript NM_007294.4 (MANE Select); coding-DNA position 4197, C replaced by G.
Protein change: p.Thr1399=; no amino-acid change (threonine 1399 retained).
Molecular consequence: synonymous variant.
Genome position (GRCh38, 1-based): chr17:43,082,564, G>C on the plus strand (C>G on the coding strand, the complement: BRCA1 is on the minus strand). VCF-style: chr17-43082564-G-C. GRCh37 (hg19) VCF-style: chr17-41234581-G-C.
Other names: c.3984C>G, p.Thr1328= (NM_001407571.1, NM_001407853.1, NM_001407894.1 and 12 more transcripts); c.4197C>G, p.Thr1399= (NM_001407581.1, NM_001407582.1, NM_001407583.1 and 23 more transcripts); c.4194C>G, p.Thr1398= (NM_001407587.1, NM_001407590.1, NM_001407591.1 and 21 more transcripts); c.4191C>G, p.Thr1397= (NM_001407627.1, NM_001407628.1, NM_001407629.1 and 5 more transcripts); c.4185C>G, p.Thr1395= (NM_001407646.1, NM_001407647.1); c.4074C>G, p.Thr1358= (NM_001407648.1, NM_001407664.1, NM_001407665.1 and 13 more transcripts); c.4071C>G, p.Thr1357= (NM_001407649.1, NM_001407670.1, NM_001407671.1 and 12 more transcripts); c.4119C>G, p.Thr1373= (NM_001407653.1, NM_001407654.1, NM_001407655.1 and 2 more transcripts); and 51 more.
Identifiers: ClinVar variation 232096 (VCV000232096.28), dbSNP rs876659552, ClinGen allele CA10580529.